The following is an entry in ClinVar:

ClinVar aggregate classification (germline): Uncertain significance (1 of 4 stars; one submission).

Submission:

Labcorp Genetics (formerly Invitae), Labcorp
Classification: Uncertain significance. Last evaluated: 2021-09-23. Review status: criteria provided, single submitter. Criteria: Invitae Variant Classification Sherloc (09022015). Collection method: clinical testing. Allele origin: germline.
Comment: In summary, the available evidence is currently insufficient to determine the role of this variant in disease. Therefore, it has been classified as a Variant of Uncertain Significance. Algorithms developed to predict the effect of sequence changes on RNA splicing suggest that this variant may create or strengthen a splice site. Algorithms developed to predict the effect of missense changes on protein structure and function are either unavailable or do not agree on the potential impact of this missense change (SIFT: "Deleterious"; PolyPhen-2: "Benign"; Align-GVGD: "Class C0"). This variant has not been reported in the literature in individuals affected with CTNNA1-related conditions. This variant is not present in population databases (ExAC no frequency). This sequence change replaces lysine with arginine at codon 871 of the CTNNA1 protein (p.Lys871Arg). The lysine residue is highly conserved and there is a small physicochemical difference between lysine and arginine.

NM_001903.5(CTNNA1):c.2612A>G (p.Lys871Arg)

Gene: CTNNA1 (catenin alpha 1; plus strand). Cytogenetic location: 5q31.2.
Variant type: single nucleotide variant.
Coding change: c.2612A>G on transcript NM_001903.5 (MANE Select); coding-DNA position 2612, A replaced by G.
Protein change: p.Lys871Arg; replaces lysine 871 with arginine.
Molecular consequence: missense variant. On other transcripts: 3 prime UTR variant (5).
Genome position (GRCh38, 1-based): chr5:138,933,980, A>G. VCF-style: chr5-138933980-A-G. GRCh37 (hg19) VCF-style: chr5-138269669-A-G.
Other names: c.1502A>G, p.Lys501Arg (NM_001323987.1, NM_001323988.1, NM_001323989.1 and 12 more transcripts); c.1163A>G, p.Lys388Arg (NM_001324007.1, NM_001324008.1, NM_001324009.1 and 2 more transcripts); c.1409A>G, p.Lys470Arg (NM_001324011.1); c.1259A>G, p.Lys420Arg (NM_001324012.1, NM_001324013.1); c.*157A>G (NM_001290307.3, NM_001324002.1, NM_001324003.1 and 2 more transcripts); c.2303A>G, p.Lys768Arg (NM_001290309.3); c.2243A>G, p.Lys748Arg (NM_001290310.3); c.2612A>G, p.Lys871Arg (NM_001323982.2, NM_001323983.1, NM_001323984.2); and 3 more; short protein forms K871R, K456R, K748R, K388R, K420R, K470R, K501R, K768R.
Identifiers: ClinVar variation 1414094 (VCV001414094.6), dbSNP rs2150359716, ClinGen allele CA361135600.